The following is an entry in ClinVar:

NM_152564.5(VPS13B):c.9330+10T>A

Gene: VPS13B (vacuolar protein sorting 13 homolog B; plus strand). Cytogenetic location: 8q22.2.
Variant type: single nucleotide variant.
Coding change: c.9330+10T>A on transcript NM_152564.5 (MANE Select); 10 bases into the intron after coding-DNA position 9330, T replaced by A.
Molecular consequence: intron variant.
Genome position (GRCh38, 1-based): chr8:99,823,988, T>A. VCF-style: chr8-99823988-T-A. GRCh37 (hg19) VCF-style: chr8-100836216-T-A.
Other names: p.?; c.9405+10T>A (NM_017890.5).
Identifiers: ClinVar variation 130728 (VCV000130728.28), dbSNP rs75904081, ClinGen allele CA155966.
Genomic context (GRCh38, chr8:99,823,988, plus strand): 5'-ATATTTTATAAACCACAGCTATCTGTCTGCAATCCCCATTCTGGAAAGGAGGTAAGCAAA[T>A]CATAACGATTCTTTTGTCTAAGTTTTGATAAAGAAACAATAAATAGGATCAACTTCTCTT-3'

ClinVar aggregate classification (germline): Benign/Likely benign. Review status: criteria provided, multiple submitters, no conflicts (2 of 4 stars). 13 submissions from 13 submitters: Benign (10); Likely benign (1). 2 of the submissions do not count toward it. Last evaluated 2026-02-04.

Conditions:
Cohen syndrome (COH1). Also called: Cutis verticis gyrata, retinitis pigmentosa, and sensorineural deafness; PEPPER SYNDROME. Identifiers: Orphanet 193, MedGen C0265223, MONDO:0008999, OMIM 216550.

Allele frequency attached by ClinVar (database versions not stated): 1000 Genomes Project 0.00479; 1000 Genomes Project 30x 0.00547; ExAC 0.01379; gnomAD exomes 0.01386 and 0.02456; gnomAD 0.01439 and 0.01493; TOPMed 0.01444; ESP Exome Variant Server 0.02030.
gnomAD v4.1: 37,679 of 1,610,672 alleles (2.3%); highest among the groups gnomAD compares: Non-Finnish European, 2.9%; 525 homozygotes.

Submissions (13):

Labcorp Genetics (formerly Invitae), Labcorp
Classification: Benign for Cohen syndrome. Last evaluated: 2026-02-04. Review status: criteria provided, single submitter. Criteria: Invitae Variant Classification Sherloc (09022015). Collection method: clinical testing. Allele origin: germline.

Women's Health and Genetics/Laboratory Corporation of America, LabCorp
Classification: Benign. Last evaluated: 2026-01-23. Review status: criteria provided, single submitter. Criteria: LabCorp Variant Classification Summary - May 2015. Collection method: clinical testing. Allele origin: germline.

Blueprint Genetics
Classification: Likely benign. Last evaluated: 2024-11-27. Review status: criteria provided, single submitter. Criteria: ACMG Guidelines, 2015. Collection method: clinical testing. Allele origin: germline.

Mayo Clinic Laboratories, Mayo Clinic
Classification: Benign. Last evaluated: 2023-09-25. Review status: criteria provided, single submitter. Criteria: ACMG Guidelines, 2015. Collection method: clinical testing. Allele origin: germline. Observed: 30 variant alleles.
Comment: BS1, BS2, BP4, BP7

Illumina Laboratory Services, Illumina
Classification: Benign for Cohen syndrome. Last evaluated: 2018-01-13. Review status: criteria provided, single submitter. Criteria: ICSL Variant Classification Criteria 13 December 2019. Collection method: clinical testing. Allele origin: germline.
Comment: This variant was observed in the ICSL laboratory as part of a predisposition screen in an ostensibly healthy population. It had not been previously curated by ICSL or reported in the Human Gene Mutation Database (HGMD: prior to June 1st, 2018), and was therefore a candidate for classification through an automated scoring system. Utilizing variant allele frequency, disease prevalence and penetrance estimates, and inheritance mode, an automated score was calculated to assess if this variant is too frequent to cause the disease. Based on the score and internal cut-off values, a variant classified as benign is not then subjected to further curation. The score for this variant resulted in a classification of benign for this disease.

Athena Diagnostics
Classification: Benign. Last evaluated: 2017-08-02. Review status: criteria provided, single submitter. Criteria: Athena Diagnostics Criteria. Collection method: clinical testing. Allele origin: germline.

Clinical Genetics DNA and cytogenetics Diagnostics Lab, Erasmus MC, Erasmus Medical Center
Classification: Benign for Cohen syndrome. Last evaluated: 2015-09-21. Review status: criteria provided, single submitter. Criteria: ACGS Guidelines, 2013. Collection method: clinical testing. Allele origin: germline. Affected: yes. Study: VKGL Data-share Consensus.

GeneDx
Classification: Benign. Last evaluated: 2015-03-03. Review status: criteria provided, single submitter. Criteria: GeneDx Variant Classification Process June 2021. Collection method: clinical testing. Allele origin: germline. Affected: yes.

Genome Diagnostics Laboratory, University Medical Center Utrecht
Classification: Benign for Cohen syndrome. Last evaluated: 2014-10-09. Review status: criteria provided, single submitter. Criteria: ACGS Guidelines, 2013. Collection method: clinical testing. Allele origin: germline. Affected: yes. Study: VKGL Data-share Consensus.

Breakthrough Genomics
Classification: Benign. Review status: criteria provided, single submitter. Criteria: ACMG Guidelines, 2015. Collection method: not provided. Allele origin: germline. Inheritance: Autosomal recessive inheritance. Affected: yes.

PreventionGenetics, part of Exact Sciences
Classification: Benign. Review status: criteria provided, single submitter. Criteria: ACMG Guidelines, 2015. Collection method: clinical testing. Allele origin: germline.

Natera, Inc.
Classification: Benign for Cohen syndrome. Last evaluated: 2020-09-16. Review status: no assertion criteria provided. Collection method: clinical testing. Allele origin: germline. Not counted in ClinVar's aggregate classification.

Genetic Services Laboratory, University of Chicago
Classification: Likely benign for AllHighlyPenetrant. Review status: no assertion criteria provided. Collection method: clinical testing. Allele origin: germline. Inheritance: Autosomal recessive inheritance. Not counted in ClinVar's aggregate classification.
Comment: Likely benign based on allele frequency in 1000 Genomes Project or ESP global frequency and its presence in a patient with a rare or unrelated disease phenotype. NOT Sanger confirmed.